The following is an entry in ClinVar:

ClinVar aggregate classification (germline): Conflicting classifications of pathogenicity. Review status: criteria provided, conflicting classifications (1 of 4 stars). 2 submissions from 2 submitters: Uncertain significance (1); Likely benign (1). Last evaluated 2025-09-06.

Conditions:
Inborn genetic diseases. Identifiers: MedGen C0950123, MeSH D030342.

gnomAD v4.1: 84 of 1,612,894 alleles (0.0052%); highest among the groups gnomAD compares: Admixed American, 0.01%; no homozygotes.

Submissions (2):

Labcorp Genetics (formerly Invitae), Labcorp
Classification: Uncertain significance. Last evaluated: 2025-09-06. Review status: criteria provided, single submitter. Criteria: Invitae Variant Classification Sherloc (09022015). Collection method: clinical testing. Allele origin: germline.
Comment: This sequence change replaces arginine, which is basic and polar, with tryptophan, which is neutral and slightly polar, at codon 115 of the TRPC6 protein (p.Arg115Trp). This variant is present in population databases (rs199884871, gnomAD 0.02%). This variant has not been reported in the literature in individuals affected with TRPC6-related conditions. ClinVar contains an entry for this variant (Variation ID: 3670781). Invitae Evidence Modeling of protein sequence and biophysical properties (such as structural, functional, and spatial information, amino acid conservation, physicochemical variation, residue mobility, and thermodynamic stability) has been performed for this missense variant. However, the output from this modeling did not meet the statistical confidence thresholds required to predict the impact of this variant on TRPC6 protein function. In summary, the available evidence is currently insufficient to determine the role of this variant in disease. Therefore, it has been classified as a Variant of Uncertain Significance.

Ambry Genetics
Classification: Likely benign for Inborn genetic diseases. Last evaluated: 2025-03-28. Review status: criteria provided, single submitter. Criteria: Ambry Variant Classification Scheme 2023. Collection method: clinical testing. Allele origin: germline.

NM_004621.6(TRPC6):c.343C>T (p.Arg115Trp)

Gene: TRPC6 (transient receptor potential cation channel subfamily C member 6; minus strand). Cytogenetic location: 11q22.1.
Variant type: single nucleotide variant.
Coding change: c.343C>T on transcript NM_004621.6 (MANE Select); coding-DNA position 343, C replaced by T.
Protein change: p.Arg115Trp; replaces arginine 115 with tryptophan.
Molecular consequence: missense variant.
Genome position (GRCh38, 1-based): chr11:101,504,626, G>A on the plus strand (C>T on the coding strand, the complement: TRPC6 is on the minus strand). VCF-style: chr11-101504626-G-A. GRCh37 (hg19) VCF-style: chr11-101375357-G-A.
Other names: c.343C>T (NM_004621.5); short protein forms R115W.
Identifiers: ClinVar variation 3670781 (VCV003670781.3).